The following is an entry in ClinVar:

NM_005751.5(AKAP9):c.11330+268T>A

Gene: AKAP9 (A-kinase anchoring protein 9; plus strand). Cytogenetic location: 7q21.2.
Variant type: single nucleotide variant.
Coding change: c.11330+268T>A on transcript NM_005751.5 (MANE Select); 268 bases into the intron after coding-DNA position 11330, T replaced by A.
Molecular consequence: intron variant.
Genome position (GRCh38, 1-based): chr7:92,103,094, T>A. VCF-style: chr7-92103094-T-A. GRCh37 (hg19) VCF-style: chr7-91732408-T-A.
Other names: c.11306+268T>A (NM_147185.3); c.5975+268T>A (NM_001379277.1).
Identifiers: ClinVar variation 673490 (VCV000673490.1), dbSNP rs79948417, ClinGen allele CA161901327.
Genomic context (GRCh38, chr7:92,103,094, plus strand): 5'-GCCTTCCTAGGTCCAGGCAGCTGGTGACTCAGAGCTGGCCTATCCAATCACGGCTGCCTT[T>A]TAGAAAACAATCTGGGCCAGGCGTGGTGCCTCATGCCTGTAATCCCAGCACTTTGGGAGG-3'

ClinVar aggregate classification (germline): Likely benign (1 of 4 stars; one submission).

Allele frequency attached by ClinVar (database versions not stated): gnomAD 0.01059 and 0.01148; 1000 Genomes Project 0.01098; TOPMed 0.01117; 1000 Genomes Project 30x 0.01156.
gnomAD v4.1: 1,599 of 152,190 alleles (1.1%); highest among the groups gnomAD compares: African/African-American, 3.7%; 25 homozygotes.

Submission:

GeneDx
Classification: Likely benign. Last evaluated: 2018-06-16. Review status: criteria provided, single submitter. Criteria: GeneDx Variant Classification (06012015). Collection method: clinical testing. Allele origin: germline. Affected: yes.
Comment: This variant is considered likely benign or benign based on one or more of the following criteria: it is a conservative change, it occurs at a poorly conserved position in the protein, it is predicted to be benign by multiple in silico algorithms, and/or has population frequency not consistent with disease.